The following is an entry in ClinVar:

ClinVar aggregate classification (germline): Uncertain significance. Review status: criteria provided, multiple submitters, no conflicts (2 of 4 stars). 2 submissions from 2 submitters: Uncertain significance (2). Last evaluated 2025-12-29.

Allele frequency attached by ClinVar (database versions not stated): 1000 Genomes Project 30x 0.00031; ESP Exome Variant Server 0.00038; 1000 Genomes Project 0.00040.
gnomAD v4.1: 499 of 1,612,886 alleles (0.031%); highest among the groups gnomAD compares: African/African-American, 0.084%; 1 homozygote.

Submissions (2):

Labcorp Genetics (formerly Invitae), Labcorp
Classification: Uncertain significance. Last evaluated: 2025-12-29. Review status: criteria provided, single submitter. Criteria: Invitae Variant Classification Sherloc (09022015). Collection method: clinical testing. Allele origin: germline.
Comment: This sequence change replaces valine, which is neutral and non-polar, with methionine, which is neutral and non-polar, at codon 498 of the MKL1 protein (p.Val498Met). This variant is present in population databases (rs199750225, gnomAD 0.09%), and has an allele count higher than expected for a pathogenic variant. This variant has not been reported in the literature in individuals affected with MKL1-related conditions. ClinVar contains an entry for this variant (Variation ID: 1683038). An algorithm developed to predict the effect of missense changes on protein structure and function outputs the following: PolyPhen-2: "Benign". The methionine amino acid residue is found in multiple mammalian species, which suggests that this missense change does not adversely affect protein function. In summary, the available evidence is currently insufficient to determine the role of this variant in disease. Therefore, it has been classified as a Variant of Uncertain Significance.

Ambry Genetics
Classification: Uncertain significance. Last evaluated: 2021-09-27. Review status: criteria provided, single submitter. Criteria: Ambry Variant Classification Scheme 2023. Collection method: clinical testing. Allele origin: germline.

NM_020831.6(MRTFA):c.1792G>A (p.Val598Met)

Gene: MRTFA (myocardin related transcription factor A; minus strand). Cytogenetic location: 22q13.1.
Variant type: single nucleotide variant.
Coding change: c.1792G>A on transcript NM_020831.6 (MANE Select); coding-DNA position 1792, G replaced by A.
Protein change: p.Val598Met; replaces valine 598 with methionine.
Molecular consequence: missense variant.
Genome position (GRCh38, 1-based): chr22:40,418,946, C>T on the plus strand (G>A on the coding strand, the complement: MRTFA is on the minus strand). VCF-style: chr22-40418946-C-T. GRCh37 (hg19) VCF-style: chr22-40814950-C-T.
Other names: c.1492G>A (NM_020831.3); c.1492G>A, p.Val498Met (NM_001282660.2); c.1642G>A, p.Val548Met (NM_001282661.3); c.1792G>A, p.Val598Met (NM_001282662.3); c.1597G>A, p.Val533Met (NM_001318139.2); short protein forms V498M, V533M, V548M, V598M.
Identifiers: ClinVar variation 1683038 (VCV001683038.9), dbSNP rs199750225, ClinGen allele CA10249549.
Genomic context (GRCh38, chr22:40,418,946, plus strand): 5'-GCTCCGCCCGCCCCCCAGGGCTCAGGCAACAGGACCCGGCCCGGGGGCCCTCCTCCTTCA[C>T]GAGGATCTGCAGTGGCGAGGCCTGCAGGGTCAGCTGCGTCAGAGGTGATGTCACCATCTC-3'
Protein context (NP_065882.2, residues 588-608): TLQASPLQIL[Val598Met]KEEGPRAGSC